The following is an entry in ClinVar:

NM_000264.5(PTCH1):c.3317C>T (p.Thr1106Met)

Gene: PTCH1 (patched 1; minus strand). Cytogenetic location: 9q22.32.
Variant type: single nucleotide variant.
Coding change: c.3317C>T on transcript NM_000264.5 (MANE Select); coding-DNA position 3317, C replaced by T.
Protein change: p.Thr1106Met; replaces threonine 1106 with methionine.
Molecular consequence: missense variant. On other transcripts: non-coding transcript variant (1).
Genome position (GRCh38, 1-based): chr9:95,453,610, G>A on the plus strand (C>T on the coding strand, the complement: PTCH1 is on the minus strand). VCF-style: chr9-95453610-G-A. GRCh37 (hg19) VCF-style: chr9-98215892-G-A.
Other names: c.3119C>T, p.Thr1040Met (NM_001083602.3); c.3314C>T, p.Thr1105Met (NM_001083603.3); c.2864C>T, p.Thr955Met (NM_001083604.3, NM_001083605.3, NM_001083606.3 and 1 more transcripts); c.3161C>T, p.Thr1054Met (NM_001354918.2); short protein forms T1040M, T1106M, T955M, T1105M, T1054M.
Identifiers: ClinVar variation 219475 (VCV000219475.20), dbSNP rs769691754, ClinGen allele CA349072.
Genomic context (GRCh38, chr9:95,453,610, plus strand): 5'-ACGGGTGCAAACATGTGCTCCAGGGCAAGCACAGCCCTGCGGTTCTTGTCGCCGATGGCC[G>A]TCAGAAAGGCCTGTGCAATGAGGATGTTCACAAGATCAGGTTGCTGGACTTCACCTGGTA-3'
Protein context (NP_000255.2, residues 1096-1116): FTVHVALAFL[Thr1106Met]AIGDKNRRAV

ClinVar aggregate classification (germline): Conflicting classifications of pathogenicity. Review status: criteria provided, conflicting classifications (1 of 4 stars). 5 submissions from 5 submitters: Uncertain significance (3); Likely benign (2). Last evaluated 2026-07-01.

Conditions:
Basal cell carcinoma, susceptibility to, 1. Also called: BCC1. Identifiers: MedGen C2751544, MONDO:0011556, OMIM 605462.
Gorlin syndrome. Also called: Basal cell nevus syndrome; Nevoid Basal Cell Carcinoma Syndrome. Identifiers: Orphanet 377, MedGen C0004779, MONDO:0007187.
Hereditary cancer-predisposing syndrome. Also called: Neoplastic Syndromes, Hereditary; Tumor predisposition; Hereditary Cancer Syndrome; Hereditary neoplastic syndrome. Identifiers: Orphanet 140162, MedGen C0027672, MeSH D009386, MONDO:0015356.

Allele frequency attached by ClinVar (database versions not stated): gnomAD exomes below 0.00001; ExAC 0.00001; gnomAD 0.00001; TOPMed 0.00003.
gnomAD v4.1: 7 of 1,613,534 alleles (0.00043%); highest among the groups gnomAD compares: African/African-American, 0.0013%; no homozygotes.

Submissions (5):

CeGaT Center for Human Genetics Tuebingen
Classification: Uncertain significance. Last evaluated: 2026-07-01. Review status: criteria provided, single submitter. Criteria: CeGaT Center For Human Genetics Tuebingen Variant Classification Criteria Version 2. Collection method: clinical testing. Allele origin: germline. Affected: yes. Observed: 1 variant allele.

Labcorp Genetics (formerly Invitae), Labcorp
Classification: Likely benign for Gorlin syndrome. Last evaluated: 2026-01-28. Review status: criteria provided, single submitter. Criteria: Invitae Variant Classification Sherloc (09022015). Collection method: clinical testing. Allele origin: germline.

Baylor Genetics
Classification: Uncertain significance for Basal cell carcinoma, susceptibility to, 1. Last evaluated: 2023-09-05. Review status: criteria provided, single submitter. Criteria: ACMG Guidelines, 2015. Collection method: clinical testing. Allele origin: unknown.

Ambry Genetics
Classification: Likely benign for Hereditary cancer-predisposing syndrome. Last evaluated: 2023-06-05. Review status: criteria provided, single submitter. Criteria: Ambry Variant Classification Scheme 2023. Collection method: clinical testing. Allele origin: germline.

GeneDx
Classification: Uncertain significance. Last evaluated: 2022-06-27. Review status: criteria provided, single submitter. Criteria: GeneDx Variant Classification Process June 2021. Collection method: clinical testing. Allele origin: germline. Affected: yes.
Comment: Not observed at significant frequency in large population cohorts (gnomAD); In silico analysis supports that this missense variant has a deleterious effect on protein structure/function; Observed in association with familial colorectal cancer (Raskin 2017); This variant is associated with the following publications: (PMID: 29212164, 29654263, 34572373)

Literature cited by the submitters: PubMed 29212164 (cited by Ambry Genetics); PubMed 29654263 (cited by Ambry Genetics).